The following is an entry in ClinVar:

NM_152269.5(MTRFR):c.486T>A (p.Ser162Arg)

Gene: MTRFR (mitochondrial translation release factor in rescue; plus strand). Cytogenetic location: 12q24.31.
Variant type: single nucleotide variant.
Coding change: c.486T>A on transcript NM_152269.5 (MANE Select); coding-DNA position 486, T replaced by A.
Protein change: p.Ser162Arg; replaces serine 162 with arginine.
Molecular consequence: missense variant.
Genome position (GRCh38, 1-based): chr12:123,257,016, T>A. VCF-style: chr12-123257016-T-A. GRCh37 (hg19) VCF-style: chr12-123741563-T-A.
Other names: c.486T>A, p.Ser162Arg (NM_001143905.2, NM_001194995.1); short protein forms S162R.
Identifiers: ClinVar variation 1681666 (VCV001681666.6), dbSNP rs371852394, ClinGen allele CA6856619.

ClinVar aggregate classification (germline): Uncertain significance (1 of 4 stars; one submission).

Conditions:
Combined oxidative phosphorylation defect type 7. Identifiers: Orphanet 254930, MedGen C3150801, MONDO:0013306, OMIM 613559.
Spastic paraplegia. Identifiers: MedGen C0037772, HP:0001258.

Allele frequency attached by ClinVar (database versions not stated): ESP Exome Variant Server 0.00008.

Submission:

Labcorp Genetics (formerly Invitae), Labcorp
Classification: Uncertain significance for Combined oxidative phosphorylation defect type 7; Spastic paraplegia. Last evaluated: 2022-08-22. Review status: criteria provided, single submitter. Criteria: Invitae Variant Classification Sherloc (09022015). Collection method: clinical testing. Allele origin: germline.
Comment: In summary, the available evidence is currently insufficient to determine the role of this variant in disease. Therefore, it has been classified as a Variant of Uncertain Significance. Algorithms developed to predict the effect of missense changes on protein structure and function are either unavailable or do not agree on the potential impact of this missense change (SIFT: "Tolerated"; PolyPhen-2: "Not Available"; Align-GVGD: "Class C0"). ClinVar contains an entry for this variant (Variation ID: 1681666). This variant has not been reported in the literature in individuals affected with C12orf65-related conditions. This variant is present in population databases (rs371852394, gnomAD 0.0009%). This sequence change replaces serine, which is neutral and polar, with arginine, which is basic and polar, at codon 162 of the C12orf65 protein (p.Ser162Arg).